The following is an entry in ClinVar:

NM_005612.5(REST):c.1477C>T (p.Arg493Ter)

Gene: REST (RE1 silencing transcription factor; plus strand). Cytogenetic location: 4q12.
Variant type: single nucleotide variant.
Coding change: c.1477C>T on transcript NM_005612.5 (MANE Select); coding-DNA position 1477, C replaced by T.
Protein change: p.Arg493Ter; replaces arginine 493 with a stop codon.
Molecular consequence: nonsense.
Genome position (GRCh38, 1-based): chr4:56,930,335, C>T. VCF-style: chr4-56930335-C-T. GRCh37 (hg19) VCF-style: chr4-57796501-C-T.
Other names: c.1477C>T, p.Arg493Ter (NM_001193508.2, NM_001363453.3); short protein forms R493*.
Identifiers: ClinVar variation 2886962 (VCV002886962.3), dbSNP rs749881609, ClinGen allele CA97636453.

ClinVar aggregate classification (germline): Uncertain significance (1 of 4 stars; one submission).

gnomAD v4.1: 1 of 1,613,858 alleles (0.000062%); highest among the groups gnomAD compares: Non-Finnish European, 0.000085%; no homozygotes.

Submission:

Labcorp Genetics (formerly Invitae), Labcorp
Classification: Uncertain significance. Last evaluated: 2023-12-06. Review status: criteria provided, single submitter. Criteria: Invitae Variant Classification Sherloc (09022015). Collection method: clinical testing. Allele origin: germline.
Comment: This sequence change creates a premature translational stop signal (p.Arg493*) in the REST gene. While this is not anticipated to result in nonsense mediated decay, it is expected to disrupt the last 605 amino acid(s) of the REST protein. This variant is not present in population databases (gnomAD no frequency). This variant has not been reported in the literature in individuals affected with REST-related conditions. Experimental studies and prediction algorithms are not available or were not evaluated, and the functional significance of this variant is currently unknown. In summary, the available evidence is currently insufficient to determine the role of this variant in disease. Therefore, it has been classified as a Variant of Uncertain Significance.